The following is an entry in ClinVar:

NM_001379200.1(TBX1):c.573G>A (p.Ala191=)

Gene: TBX1 (T-box transcription factor 1; plus strand). Cytogenetic location: 22q11.21.
Variant type: single nucleotide variant.
Coding change: c.573G>A on transcript NM_001379200.1 (MANE Select); coding-DNA position 573, G replaced by A.
Protein change: p.Ala191=; no amino-acid change (alanine 191 retained).
Molecular consequence: synonymous variant.
Genome position (GRCh38, 1-based): chr22:19,764,188, G>A. VCF-style: chr22-19764188-G-A. GRCh37 (hg19) VCF-style: chr22-19751711-G-A.
Other names: c.546G>A, p.Ala182= (NM_005992.1, NM_080646.2, NM_080647.1).
Identifiers: ClinVar variation 389239 (VCV000389239.2), dbSNP rs1057523372, ClinGen allele CA16608110.

ClinVar aggregate classification (germline): Likely benign. Review status: criteria provided, multiple submitters, no conflicts (2 of 4 stars). 2 submissions from 2 submitters: Likely benign (2). Last evaluated 2025-10-14.

Conditions:
Cardiovascular phenotype. Identifiers: MedGen CN230736.

Allele frequency attached by ClinVar (database versions not stated): TOPMed 0.00001.
gnomAD v4.1: 12 of 1,612,630 alleles (0.00074%); highest among the groups gnomAD compares: South Asian, 0.0022%; no homozygotes.

Submissions (2):

Ambry Genetics
Classification: Likely benign for Cardiovascular phenotype. Last evaluated: 2025-10-14. Review status: criteria provided, single submitter. Criteria: Ambry Variant Classification Scheme 2023. Collection method: clinical testing. Allele origin: germline.

GeneDx
Classification: Likely benign. Last evaluated: 2016-09-07. Review status: criteria provided, single submitter. Criteria: GeneDx Variant Classification (06012015). Collection method: clinical testing. Allele origin: germline. Affected: yes.
Comment: This variant is considered likely benign or benign based on one or more of the following criteria: it is a conservative change, it occurs at a poorly conserved position in the protein, it is predicted to be benign by multiple in silico algorithms, and/or has population frequency not consistent with disease.